The following is an entry in ClinVar:

NC_012920.1(MT-CYB):m.16223C>T

Variant type: single nucleotide variant.
Genome position: chrM-16223-C-T.
Other names: D loop.
Identifiers: ClinVar variation 3027423 (VCV003027423.2), dbSNP rs2853513, ClinGen allele CA337100780.

ClinVar aggregate classification (germline): association not found (0 of 4 stars; one submission).

Conditions:
Venous thromboembolism. Identifiers: MedGen C1861172, MeSH D054556, MONDO:0005399.

Submission:

Genomics Division, Defence Institute of Physiology and Allied Sciences
Classification: association not found for VENOUS THROMBOEMBOLISM. Review status: no assertion criteria provided. Collection method: case-control. Allele origin: maternal. Inheritance: Mitochondrial inheritance. Affected: no.
Comment: Three age and sex matched study groups were taken and whole exome sequencing was performed. 1. Healthy Subjects (n=19) 2. Sea Level Venous Thromboembolism (n=15) 3. High Altitude Venous Thromboembolism (n=6) Nature of this variant is not provided. After analysis we found frequency of rs2853513 in sea level as well as high altitude induced Thromboembolism study groups. However, this SNP was absent in Healthy Subjects. First time it is being reported that there is association of rs2853513 with Venous Thromboembolism and it is situated at D loop.